The following is an entry in ClinVar:

NM_007214.5(SEC63):c.452C>T (p.Ala151Val)

Gene: SEC63 (SEC63 homolog, protein translocation regulator; minus strand). Cytogenetic location: 6q21.
Variant type: single nucleotide variant.
Coding change: c.452C>T on transcript NM_007214.5 (MANE Select); coding-DNA position 452, C replaced by T.
Protein change: p.Ala151Val; replaces alanine 151 with valine.
Molecular consequence: missense variant.
Genome position (GRCh38, 1-based): chr6:107,921,797, G>A on the plus strand (C>T on the coding strand, the complement: SEC63 is on the minus strand). VCF-style: chr6-107921797-G-A. GRCh37 (hg19) VCF-style: chr6-108243001-G-A.
Other names: short protein forms A151V.
Identifiers: ClinVar variation 905039 (VCV000905039.5), dbSNP rs1360860173, ClinGen allele CA365187612.

ClinVar aggregate classification (germline): Uncertain significance. Review status: criteria provided, multiple submitters, no conflicts (2 of 4 stars). 2 submissions from 2 submitters: Uncertain significance (2). Last evaluated 2023-07-17.

Conditions:
Polycystic liver disease 2 (PCLD2). Also called: Polycystic liver disease 2 with or without kidney cysts. Identifiers: Orphanet 2924, MedGen C4310769, MONDO:0014860, OMIM 617004.

Allele frequency attached by ClinVar (database versions not stated): gnomAD 0.00001; TOPMed below 0.00001; gnomAD exomes 0.00001.
gnomAD v4.1: 12 of 1,569,824 alleles (0.00076%); highest among the groups gnomAD compares: African/African-American, 0.0014%; no homozygotes.

Submissions (2):

Victorian Clinical Genetics Services, Murdoch Childrens Research Institute
Classification: Uncertain significance for Polycystic liver disease 2. Last evaluated: 2023-07-17. Review status: criteria provided, single submitter. Criteria: ACMG Guidelines, 2015. Collection method: clinical testing. Allele origin: germline. Inheritance: Autosomal dominant inheritance. Affected: yes.
Comment: Based on the classification scheme VCGS_Germline_v1.3.4, this variant is classified as VUS-3A. Following criteria are met: 0102 - Loss of function is a known mechanism of disease in this gene and is associated with polycystic liver disease 2 (MIM#617004). (I) 0107 - This gene is associated with autosomal dominant disease. (I) 0115 - Variants in this gene are known to have variable expressivity (PMID: 20095989). (I) 0200 - Variant is predicted to result in a missense amino acid change from alanine to valine. (I) 0251 - This variant is heterozygous. (I) 0302 - Variant is present in gnomAD (v2, v3) <0.001 for a dominant condition (2 heterozygotes, 0 homozygotes). (SP) 0502 - Missense variant with conflicting in silico predictions and uninformative conservation. (I) 0603 - Missense variant in a region that is highly intolerant to missense variation (high constraint region in DECIPHER). (SP) 0705 - No comparable missense variants have previous evidence for pathogenicity. (I) 0809 - Previous evidence of pathogenicity for this variant is inconclusive. This variant was observed in a screening study and classified as a VUS (ClinVar). (I) 0905 - No published segregation evidence has been identified for this variant. (I) 1007 - No published functional evidence has been identified for this variant. (I) 1208 - Inheritance information for this variant is not currently available in this individual. (I) Legend: (SP) - Supporting pathogenic, (I) - Information, (SB) - Supporting benign

Illumina Laboratory Services, Illumina
Classification: Uncertain significance for Polycystic liver disease 2. Last evaluated: 2018-01-13. Review status: criteria provided, single submitter. Criteria: ICSL Variant Classification Criteria 13 December 2019. Collection method: clinical testing. Allele origin: germline.

Literature cited by the submitters: PubMed 20095989 (cited by Victorian Clinical Genetics Services, Murdoch Childrens Research Institute).